The following is an entry in ClinVar:

NM_002658.6(PLAU):c.163A>G (p.Lys55Glu)

Genes: C10orf55 (chromosome 10 putative open reading frame 55; minus strand), PLAU (plasminogen activator, urokinase; plus strand). Cytogenetic location: 10q22.2.
Variant type: single nucleotide variant.
Coding change: c.163A>G on transcript NM_002658.6 (MANE Select); coding-DNA position 163, A replaced by G.
Protein change: p.Lys55Glu; replaces lysine 55 with glutamic acid.
Molecular consequence: missense variant. On other transcripts: 5 prime UTR variant (1).
Genome position (GRCh38, 1-based): chr10:73,912,292, A>G. VCF-style: chr10-73912292-A-G. GRCh37 (hg19) VCF-style: chr10-75672050-A-G.
Other names: p.Lys55Glu; c.112A>G, p.Lys38Glu (NM_001145031.3); c.-96A>G (NM_001319191.2); c.163A>G (NM_002658.5, NM_002658.4); short protein forms K55E, K38E.
Identifiers: ClinVar variation 300744 (VCV000300744.7), dbSNP rs147372618, ClinGen allele CA5562335.

ClinVar aggregate classification (germline): Benign/Likely benign. Review status: criteria provided, multiple submitters, no conflicts (2 of 4 stars). 3 submissions from 3 submitters: Benign (1); Likely benign (1). 1 of the submissions does not count toward it. Last evaluated 2025-01-29.

Conditions:
Quebec platelet disorder (QPD). Also called: FACTOR V QUEBEC; BLEEDING DISORDER, PLATELET-TYPE, 5. Identifiers: Orphanet 220436, MedGen C1866423, MONDO:0011136, OMIM 601709.
PLAU-related disorder. Also called: PLAU-related condition.

Allele frequency attached by ClinVar (database versions not stated): TOPMed 0.00005; gnomAD 0.00008 and 0.00009; ExAC 0.00012; gnomAD exomes 0.00005 and 0.00012; ESP Exome Variant Server 0.00015.
gnomAD v4.1: 96 of 1,613,786 alleles (0.0059%); highest among the groups gnomAD compares: African/African-American, 0.0027%; no homozygotes.

Submissions (3):

Mayo Clinic Laboratories, Mayo Clinic
Classification: Likely benign. Last evaluated: 2025-01-29. Review status: criteria provided, single submitter. Criteria: ACMG Guidelines, 2015. Collection method: clinical testing. Allele origin: germline. Observed: 2 variant alleles.
Comment: BS1, BP4_moderate

Illumina Laboratory Services, Illumina
Classification: Benign for Quebec platelet disorder. Last evaluated: 2018-01-13. Review status: criteria provided, single submitter. Criteria: ICSL Variant Classification Criteria 13 December 2019. Collection method: clinical testing. Allele origin: germline.
Comment: This variant was observed in the ICSL laboratory as part of a predisposition screen in an ostensibly healthy population. It had not been previously curated by ICSL or reported in the Human Gene Mutation Database (HGMD: prior to June 1st, 2018), and was therefore a candidate for classification through an automated scoring system. Utilizing variant allele frequency, disease prevalence and penetrance estimates, and inheritance mode, an automated score was calculated to assess if this variant is too frequent to cause the disease. Based on the score and internal cut-off values, a variant classified as benign is not then subjected to further curation. The score for this variant resulted in a classification of benign for this disease.

PreventionGenetics, part of Exact Sciences
Classification: Likely benign for PLAU-related condition. Last evaluated: 2024-09-09. Review status: no assertion criteria provided. Collection method: clinical testing. Allele origin: germline. Not counted in ClinVar's aggregate classification.
Comment: This variant is classified as likely benign based on ACMG/AMP sequence variant interpretation guidelines (Richards et al. 2015 PMID: 25741868, with internal and published modifications).